The following is an entry in ClinVar:

NM_004994.3(MMP9):c.1719G>C (p.Glu573Asp)

Genes: MMP9 (matrix metallopeptidase 9; plus strand), SLC12A5-AS1 (SLC12A5 and MMP9 antisense RNA 1; minus strand). Cytogenetic location: 20q13.12.
Variant type: single nucleotide variant.
Coding change: c.1719G>C on transcript NM_004994.3 (MANE Select); coding-DNA position 1719, G replaced by C.
Protein change: p.Glu573Asp; replaces glutamic acid 573 with aspartic acid.
Molecular consequence: missense variant. On other transcripts: non-coding transcript variant (1).
Genome position (GRCh38, 1-based): chr20:46,013,765, G>C. VCF-style: chr20-46013765-G-C. GRCh37 (hg19) VCF-style: chr20-44642404-G-C.
Other names: short protein forms E573D.
Identifiers: ClinVar variation 3626753 (VCV003626753.2).
Genomic context (GRCh38, chr20:46,013,765, plus strand): 5'-CTTCCTTATCGCCGACAAGTGGCCCGCGCTGCCCCGCAAGCTGGACTCGGTCTTTGAGGA[G>C]CGGCTCTCCAAGAAGCTTTTCTTCTTCTCTGGTTAGTTACCTACTTTCCCTCCCCCGCCC-3'
Protein context (NP_004985.2, residues 563-583): LPRKLDSVFE[Glu573Asp]RLSKKLFFFS

ClinVar aggregate classification (germline): Uncertain significance (1 of 4 stars; one submission).

gnomAD v4.1: 9 of 1,613,444 alleles (0.00056%); highest among the groups gnomAD compares: South Asian, 0.0099%; no homozygotes.

Submission:

Labcorp Genetics (formerly Invitae), Labcorp
Classification: Uncertain significance. Last evaluated: 2024-05-04. Review status: criteria provided, single submitter. Criteria: Invitae Variant Classification Sherloc (09022015). Collection method: clinical testing. Allele origin: germline.
Comment: This sequence change replaces glutamic acid, which is acidic and polar, with aspartic acid, which is acidic and polar, at codon 573 of the MMP9 protein (p.Glu573Asp). This variant is present in population databases (rs781210808, gnomAD 0.01%). This variant has not been reported in the literature in individuals affected with MMP9-related conditions. Advanced modeling of protein sequence and biophysical properties (such as structural, functional, and spatial information, amino acid conservation, physicochemical variation, residue mobility, and thermodynamic stability) performed at Invitae indicates that this missense variant is not expected to disrupt MMP9 protein function with a negative predictive value of 80%. In summary, the available evidence is currently insufficient to determine the role of this variant in disease. Therefore, it has been classified as a Variant of Uncertain Significance.